The following is an entry in ClinVar:

ClinVar aggregate classification (germline): Uncertain significance (1 of 4 stars; one submission).

Allele frequency attached by ClinVar (database versions not stated): gnomAD 0.00001.
gnomAD v4.1: 7 of 1,568,816 alleles (0.00045%); highest among the groups gnomAD compares: Admixed American, 0.0018%; no homozygotes.

Submission:

CeGaT Center for Human Genetics Tuebingen
Classification: Uncertain significance. Last evaluated: 2023-12-01. Review status: criteria provided, single submitter. Criteria: CeGaT Center For Human Genetics Tuebingen Variant Classification Criteria Version 2. Collection method: clinical testing. Allele origin: germline. Affected: yes. Observed: 1 variant allele.
Comment: SOST: PM2, PP3

NM_025237.3(SOST):c.319G>T (p.Gly107Cys)

Gene: SOST (sclerostin; minus strand). Cytogenetic location: 17q21.31.
Variant type: single nucleotide variant.
Coding change: c.319G>T on transcript NM_025237.3 (MANE Select); coding-DNA position 319, G replaced by T.
Protein change: p.Gly107Cys; replaces glycine 107 with cysteine.
Molecular consequence: missense variant.
Genome position (GRCh38, 1-based): chr17:43,755,665, C>A on the plus strand (G>T on the coding strand, the complement: SOST is on the minus strand). VCF-style: chr17-43755665-C-A. GRCh37 (hg19) VCF-style: chr17-41833033-C-A.
Other names: short protein forms G107C.
Identifiers: ClinVar variation 3026765 (VCV003026765.22), dbSNP rs1201235150, ClinGen allele CA399702208.